The following is an entry in ClinVar:

NM_199420.4(POLQ):c.2999A>C (p.Lys1000Thr)

Gene: POLQ (DNA polymerase theta; minus strand). Cytogenetic location: 3q13.33.
Variant type: single nucleotide variant.
Coding change: c.2999A>C on transcript NM_199420.4 (MANE Select); coding-DNA position 2999, A replaced by C.
Protein change: p.Lys1000Thr; replaces lysine 1000 with threonine.
Molecular consequence: missense variant.
Genome position (GRCh38, 1-based): chr3:121,489,932, T>G on the plus strand (A>C on the coding strand, the complement: POLQ is on the minus strand). VCF-style: chr3-121489932-T-G. GRCh37 (hg19) VCF-style: chr3-121208779-T-G.
Other names: short protein forms K1000T.
Identifiers: ClinVar variation 3422522 (VCV003422522.1).

ClinVar aggregate classification (germline): Uncertain significance (1 of 4 stars; one submission).

Submission:

Ambry Genetics
Classification: Uncertain significance. Last evaluated: 2024-09-01. Review status: criteria provided, single submitter. Criteria: Ambry Variant Classification Scheme 2023. Collection method: clinical testing. Allele origin: germline.
Comment: The p.K1000T variant (also known as c.2999A>C), located in coding exon 16 of the POLQ gene, results from an A to C substitution at nucleotide position 2999. The lysine at codon 1000 is replaced by threonine, an amino acid with similar properties. This amino acid position is conserved. In addition, this alteration is predicted to be tolerated by in silico analysis. Based on the available evidence, the clinical significance of this variant remains unclear.